The following is an entry in ClinVar:

ClinVar aggregate classification (germline): Conflicting classifications of pathogenicity. Review status: criteria provided, conflicting classifications (1 of 4 stars). 2 submissions from 2 submitters: Uncertain significance (1); Likely benign (1). Last evaluated 2026-07-06.

Conditions:
Hereditary cancer-predisposing syndrome. Also called: Tumor predisposition; Hereditary neoplastic syndrome; Neoplastic Syndromes, Hereditary; Hereditary Cancer Syndrome. Identifiers: Orphanet 140162, MedGen C0027672, MeSH D009386, MONDO:0015356.
Hereditary diffuse gastric adenocarcinoma (HDGC). Also called: DIFFUSE GASTRIC AND LOBULAR BREAST CANCER SYNDROME. Identifiers: Orphanet 26106, MedGen C1708349, MONDO:0007648, OMIM 137215.

Allele frequency attached by ClinVar (database versions not stated): ExAC 0.00001; gnomAD exomes below 0.00001 and 0.00001.
gnomAD v4.1: 4 of 1,614,148 alleles (0.00025%); highest among the groups gnomAD compares: South Asian, 0.0011%; no homozygotes.

Submissions (2):

Ambry Genetics
Classification: Likely benign for Hereditary cancer-predisposing syndrome. Last evaluated: 2026-07-06. Review status: criteria provided, single submitter. Criteria: Ambry Variant Classification Scheme 2023. Collection method: clinical testing. Allele origin: germline.

Labcorp Genetics (formerly Invitae), Labcorp
Classification: Uncertain significance for Hereditary diffuse gastric adenocarcinoma. Last evaluated: 2024-02-17. Review status: criteria provided, single submitter. Criteria: Invitae Variant Classification Sherloc (09022015). Collection method: clinical testing. Allele origin: germline.
Comment: This sequence change replaces threonine, which is neutral and polar, with isoleucine, which is neutral and non-polar, at codon 199 of the CDH1 protein (p.Thr199Ile). This variant is present in population databases (rs750249747, gnomAD 0.003%). This variant has not been reported in the literature in individuals affected with CDH1-related conditions. ClinVar contains an entry for this variant (Variation ID: 826083). An algorithm developed to predict the effect of missense changes on protein structure and function (PolyPhen-2) suggests that this variant is likely to be tolerated. In summary, the available evidence is currently insufficient to determine the role of this variant in disease. Therefore, it has been classified as a Variant of Uncertain Significance.

NM_004360.5(CDH1):c.596C>T (p.Thr199Ile)

Gene: CDH1 (cadherin 1; plus strand). Cytogenetic location: 16q22.1.
Variant type: single nucleotide variant.
Coding change: c.596C>T on transcript NM_004360.5 (MANE Select); coding-DNA position 596, C replaced by T.
Protein change: p.Thr199Ile; replaces threonine 199 with isoleucine.
Molecular consequence: missense variant. On other transcripts: 5 prime UTR variant (2).
Genome position (GRCh38, 1-based): chr16:68,808,757, C>T. VCF-style: chr16-68808757-C-T. GRCh37 (hg19) VCF-style: chr16-68842660-C-T.
Other names: c.596C>T, p.Thr199Ile (NM_001317184.2); c.-1020C>T (NM_001317185.2); c.-1224C>T (NM_001317186.2); short protein forms T199I.
Identifiers: ClinVar variation 826083 (VCV000826083.8), dbSNP rs750249747, ClinGen allele CA8129896.